The following is an entry in ClinVar:

NM_002417.5(MKI67):c.7999A>T (p.Arg2667Ter)

Gene: MKI67 (marker of proliferation Ki-67; minus strand). Cytogenetic location: 10q26.2.
Variant type: single nucleotide variant.
Coding change: c.7999A>T on transcript NM_002417.5 (MANE Select); coding-DNA position 7999, A replaced by T.
Protein change: p.Arg2667Ter; replaces arginine 2667 with a stop codon.
Molecular consequence: nonsense.
Genome position (GRCh38, 1-based): chr10:128,103,841, T>A on the plus strand (A>T on the coding strand, the complement: MKI67 is on the minus strand). VCF-style: chr10-128103841-T-A. GRCh37 (hg19) VCF-style: chr10-129902105-T-A.
Other names: c.6919A>T, p.Arg2307Ter (NM_001145966.2); short protein forms R2307*, R2667*.
Identifiers: ClinVar variation 2632544 (VCV002632544.2), dbSNP rs2493525389, ClinGen allele CA378713902.

ClinVar aggregate classification (germline): Uncertain significance (1 of 4 stars; one submission).

Conditions:
MKI67-related disorder. Also called: MKI67-related condition.

Submission:

PreventionGenetics, part of Exact Sciences
Classification: Uncertain significance for MKI67-related condition. Last evaluated: 2026-05-29. Review status: criteria provided, single submitter. Criteria: ACMG Guidelines, 2015. Collection method: clinical testing. Allele origin: germline.
Comment: The MKI67 c.7999A>T variant is predicted to result in premature protein termination (p.Arg2667*). To our knowledge, this variant has not been reported in the literature or in a large population database (gnomAD), indicating this variant is rare. Loss-of-function variants, such as this nonsense variant, in MKI67 are not an established mechanism of disease. At this time, the clinical significance of this variant is uncertain due to the absence of conclusive functional and genetic evidence.